The following is an entry in ClinVar:

ClinVar aggregate classification (germline): Uncertain significance (1 of 4 stars; one submission).

Allele frequency attached by ClinVar (database versions not stated): gnomAD 0.00001 and 0.00005; TOPMed 0.00003; gnomAD exomes 0.00009 and 0.00017; ExAC 0.00021; 1000 Genomes Project 30x 0.00094; 1000 Genomes Project 0.00120.
gnomAD v4.1: 134 of 1,613,478 alleles (0.0083%); highest among the groups gnomAD compares: South Asian, 0.12%; no homozygotes.

Submission:

Labcorp Genetics (formerly Invitae), Labcorp
Classification: Uncertain significance. Last evaluated: 2022-10-12. Review status: criteria provided, single submitter. Criteria: Invitae Variant Classification Sherloc (09022015). Collection method: clinical testing. Allele origin: germline.
Comment: This sequence change replaces isoleucine, which is neutral and non-polar, with valine, which is neutral and non-polar, at codon 7 of the ICK protein (p.Ile7Val). This variant is present in population databases (rs558312131, gnomAD 0.1%). This variant has not been reported in the literature in individuals affected with ICK-related conditions. ClinVar contains an entry for this variant (Variation ID: 1680575). Advanced modeling of protein sequence and biophysical properties (such as structural, functional, and spatial information, amino acid conservation, physicochemical variation, residue mobility, and thermodynamic stability) performed at Invitae indicates that this missense variant is not expected to disrupt ICK protein function. In summary, the available evidence is currently insufficient to determine the role of this variant in disease. Therefore, it has been classified as a Variant of Uncertain Significance.

NM_014920.5(CILK1):c.19A>G (p.Ile7Val)

Gene: CILK1 (ciliogenesis associated kinase 1; minus strand). Cytogenetic location: 6p12.1.
Variant type: single nucleotide variant.
Coding change: c.19A>G on transcript NM_014920.5 (MANE Select); coding-DNA position 19, A replaced by G.
Protein change: p.Ile7Val; replaces isoleucine 7 with valine.
Molecular consequence: missense variant. On other transcripts: non-coding transcript variant (1).
Genome position (GRCh38, 1-based): chr6:53,041,218, T>C on the plus strand (A>G on the coding strand, the complement: CILK1 is on the minus strand). VCF-style: chr6-53041218-T-C. GRCh37 (hg19) VCF-style: chr6-52906016-T-C.
Other names: c.19A>G, p.Ile7Val (NM_001375397.1, NM_001375398.1, NM_001375399.1 and 4 more transcripts); short protein forms I7V.
Identifiers: ClinVar variation 1680575 (VCV001680575.3), dbSNP rs558312131, ClinGen allele CA3858914.